The following is an entry in ClinVar:

NM_007294.4(BRCA1):c.5259A>G (p.Arg1753=)

Gene: BRCA1 (BRCA1 DNA repair associated; minus strand). Cytogenetic location: 17q21.31.
Variant type: single nucleotide variant.
Coding change: c.5259A>G on transcript NM_007294.4 (MANE Select); coding-DNA position 5259, A replaced by G.
Protein change: p.Arg1753=; no amino-acid change (arginine 1753 retained).
Molecular consequence: synonymous variant.
Genome position (GRCh38, 1-based): chr17:43,057,070, T>C on the plus strand (A>G on the coding strand, the complement: BRCA1 is on the minus strand). VCF-style: chr17-43057070-T-C. GRCh37 (hg19) VCF-style: chr17-41209087-T-C.
Other names: c.1824A>G, p.Arg608= (NM_001408437.1, NM_001408438.1, NM_001408439.1 and 10 more transcripts); c.1821A>G, p.Arg607= (NM_001408445.1, NM_001408446.1, NM_001408447.1 and 2 more transcripts); c.1815A>G, p.Arg605= (NM_001408451.1); c.1809A>G, p.Arg603= (NM_001408452.1, NM_001408453.1, NM_001408454.1 and 3 more transcripts); c.1806A>G, p.Arg602= (NM_001408458.1, NM_001408459.1, NM_001408460.1 and 7 more transcripts); c.1803A>G, p.Arg601= (NM_001408468.1, NM_001408469.1, NM_001408470.1); c.1947A>G, p.Arg649= (NM_001408472.1, NM_007298.4, NM_007299.4 and 13 more transcripts); c.1944A>G, p.Arg648= (NM_001408473.1, NM_001408392.1, NM_001408396.1 and 8 more transcripts); and 72 more.
Identifiers: ClinVar variation 187571 (VCV000187571.22), dbSNP rs771577266, ClinGen allele CA003399.

ClinVar aggregate classification (germline): Likely benign. Review status: reviewed by expert panel (3 of 4 stars). 5 submissions from 5 submitters: Likely benign (1). 4 of the submissions do not count toward it. Last evaluated 2017-06-29.

Conditions:
Hereditary cancer-predisposing syndrome. Also called: Hereditary Cancer Syndrome; Hereditary neoplastic syndrome; Tumor predisposition; Neoplastic Syndromes, Hereditary. Identifiers: Orphanet 140162, MedGen C0027672, MeSH D009386, MONDO:0015356.
Hereditary breast ovarian cancer syndrome. Also called: Hereditary breast and ovarian cancer syndrome; Hereditary breast and ovarian cancer syndrome (HBOC); BRCA1- and BRCA2-Associated Hereditary Breast and Ovarian Cancer; Breast and ovarian cancer; Hereditary breast and ovarian cancer; Hereditary breast and/or ovarian cancer syndrome. Identifiers: Orphanet 145, MedGen C0677776, MeSH D061325, MONDO:0003582. Disease mechanism: loss of function.
Breast-ovarian cancer, familial, susceptibility to, 1 (BROVCA1). Also called: OVARIAN CANCER, SUSCEPTIBILITY TO; BRCA1 Hereditary Breast and Ovarian Cancer. Identifiers: Orphanet 145, MedGen C2676676, MONDO:0011450, OMIM 604370. Disease mechanism: loss of function.

Allele frequency attached by ClinVar (database versions not stated): gnomAD exomes below 0.00001; ExAC 0.00001.
gnomAD v4.1: 4 of 1,614,094 alleles (0.00025%); highest among the groups gnomAD compares: Non-Finnish European, 0.00034%; no homozygotes.

Submissions (6):

Evidence-based Network for the Interpretation of Germline Mutant Alleles (ENIGMA)
Classification: Likely benign for Breast-ovarian cancer, familial, susceptibility to, 1. Last evaluated: 2017-06-29. Review status: reviewed by expert panel. Criteria: ENIGMA BRCA1/2 Classification Criteria (2017-06-29). Collection method: curation. Allele origin: germline.
Comment: Synonymous substitution variant, with low bioinformatic likelihood to result in a splicing aberration (Splicing prior probability 0.02).

Labcorp Genetics (formerly Invitae), Labcorp
Classification: Likely benign for Hereditary breast ovarian cancer syndrome. Last evaluated: 2025-03-12. Review status: criteria provided, single submitter. Criteria: Invitae Variant Classification Sherloc (09022015). Collection method: clinical testing. Allele origin: germline. Not counted in ClinVar's aggregate classification.

Women's Health and Genetics/Laboratory Corporation of America, LabCorp
Classification: Likely benign. Last evaluated: 2019-08-21. Review status: criteria provided, single submitter. Criteria: LabCorp Variant Classification Summary - May 2015. Collection method: clinical testing. Allele origin: germline. Not counted in ClinVar's aggregate classification.

Color Diagnostics, LLC DBA Color Health
Classification: Likely benign for Hereditary cancer-predisposing syndrome. Last evaluated: 2019-02-04. Review status: criteria provided, single submitter. Criteria: ACMG Guidelines, 2015. Collection method: clinical testing. Allele origin: germline. Not counted in ClinVar's aggregate classification.

Ambry Genetics
Classification: Likely benign for Hereditary cancer-predisposing syndrome. Last evaluated: 2014-12-16. Review status: criteria provided, single submitter. Criteria: Ambry Variant Classification Scheme 2023. Collection method: clinical testing. Allele origin: germline. Not counted in ClinVar's aggregate classification.

Brotman Baty Institute, University of Washington
No classification provided (evidence only). Condition: Breast-ovarian cancer, familial 1. Review status: no classification provided. Collection method: in vitro. Allele origin: not applicable. Functional consequence: functionally_normal. Not counted in ClinVar's aggregate classification.
ClinVar note: "not provided" was previously submitted as the classification for the variant. However, the classification appeared to be based only on an observation of functional data so it was converted to no classification on 2025-07-30.